The following is an entry in ClinVar:

ClinVar aggregate classification (germline): Benign. Review status: criteria provided, single submitter (1 of 4 stars). 2 submissions from 2 submitters: Benign (1). 1 of the submissions does not count toward it. Last evaluated 2021-05-04.

Conditions:
ITPR3-related disorder. Also called: ITPR3-related condition.

Allele frequency attached by ClinVar (database versions not stated): gnomAD exomes 0.05101 and 0.05533; ExAC 0.06029; gnomAD 0.09820 and 0.10150; 1000 Genomes Project 0.11422; 1000 Genomes Project 30x 0.11743; ESP Exome Variant Server 0.10987; TOPMed 0.11065.
gnomAD v4.1: 89,785 of 1,612,554 alleles (5.6%); highest among the groups gnomAD compares: African/African-American, 24%; 3,629 homozygotes.

Submissions (2):

GeneDx
Classification: Benign. Last evaluated: 2021-05-04. Review status: criteria provided, single submitter. Criteria: GeneDx Variant Classification Process June 2021. Collection method: clinical testing. Allele origin: germline. Affected: yes.

PreventionGenetics, part of Exact Sciences
Classification: Benign for ITPR3-related condition. Last evaluated: 2019-10-28. Review status: no assertion criteria provided. Collection method: clinical testing. Allele origin: germline. Not counted in ClinVar's aggregate classification.
Comment: This variant is classified as benign based on ACMG/AMP sequence variant interpretation guidelines (Richards et al. 2015 PMID: 25741868, with internal and published modifications).

NM_002224.4(ITPR3):c.4263C>T (p.Tyr1421=)

Gene: ITPR3 (inositol 1,4,5-trisphosphate receptor type 3; plus strand). Cytogenetic location: 6p21.31.
Variant type: single nucleotide variant.
Coding change: c.4263C>T on transcript NM_002224.4 (MANE Select); coding-DNA position 4263, C replaced by T.
Protein change: p.Tyr1421=; no amino-acid change (tyrosine 1421 retained).
Molecular consequence: synonymous variant.
Genome position (GRCh38, 1-based): chr6:33,680,367, C>T. VCF-style: chr6-33680367-C-T. GRCh37 (hg19) VCF-style: chr6-33648144-C-T.
Identifiers: ClinVar variation 1224784 (VCV001224784.5), dbSNP rs11967839, ClinGen allele CA3761189.
Genomic context (GRCh38, chr6:33,680,367, plus strand): 5'-TGACCTCCCGCCCACTGCCCAGGTGAAAATGGCCTATGTGAACTTCGTGAACCACTGCTA[C>T]GTGGACACGGAGGTGGAGATGAAGGAGATCTACACCAGCAACCACATCTGGACGCTCTTT-3'
Protein context (NP_002215.2, residues 1411-1431): MAYVNFVNHC[Tyr1421=]VDTEVEMKEI